The following is an entry in ClinVar:

NM_004415.4(DSP):c.729del (p.Glu244fs)

Gene: DSP (desmoplakin; plus strand). Cytogenetic location: 6p24.3.
Variant type: Deletion.
Coding change: c.729del on transcript NM_004415.4 (MANE Select); coding-DNA position 729, one base deleted (C; older notation c.729delC).
Protein change: p.Glu244fs; shifts the reading frame from glutamic acid 244.
Molecular consequence: frameshift variant.
Genome position (GRCh38, 1-based): chr6:7,563,738, C deleted. VCF-style (leftmost placement, unchanged base first): chr6-7563737-GC-G. GRCh37 (hg19) VCF-style: chr6-7563970-GC-G.
Other names: c.729del, p.Glu244fs (NM_001008844.3, NM_001319034.2); c.729delC, p.Glu244Argfs (NM_001406591.1); short protein forms E244fs.
Identifiers: ClinVar variation 1944860 (VCV001944860.5), dbSNP rs2533866906, ClinGen allele CA2580075344.

ClinVar aggregate classification (germline): Pathogenic (1 of 4 stars; one submission).

Conditions:
Arrhythmogenic right ventricular dysplasia 8 (ARVD8). Also called: Arrhythmogenic Right Ventricular Dysplasia/Cardiomyopathy 8; ARRHYTHMOGENIC RIGHT VENTRICULAR DYSPLASIA, FAMILIAL, 8; ARRHYTHMOGENIC RIGHT VENTRICULAR CARDIOMYOPATHY 8. Identifiers: MedGen C1843896, MONDO:0011831, OMIM 607450.
Arrhythmogenic cardiomyopathy with wooly hair and keratoderma. Also called: Arrhythmogenic cardiomyopathy with woolly hair and keratoderma; Carvajal syndrome; Dilated cardiomyopathy with woolly hair and keratoderma; PALMOPLANTAR KERATODERMA WITH LEFT VENTRICULAR CARDIOMYOPATHY AND WOOLLY HAIR. Identifiers: Orphanet 65282, MedGen C1854063, MONDO:0011581, OMIM 605676.

Submission:

Labcorp Genetics (formerly Invitae), Labcorp
Classification: Pathogenic for Arrhythmogenic cardiomyopathy with wooly hair and keratoderma; Arrhythmogenic right ventricular dysplasia 8. Last evaluated: 2025-12-19. Review status: criteria provided, single submitter. Criteria: Invitae Variant Classification Sherloc (09022015). Collection method: clinical testing. Allele origin: germline.
Comment: This sequence change creates a premature translational stop signal (p.Glu244Argfs*16) in the DSP gene. It is expected to result in an absent or disrupted protein product. Loss-of-function variants in DSP are known to be pathogenic (PMID: 20716751, 24503780, 25227139, 30398466). This variant is not present in population databases (gnomAD no frequency). This variant has not been reported in the literature in individuals affected with DSP-related conditions. ClinVar contains an entry for this variant (Variation ID: 1944860). For these reasons, this variant has been classified as Pathogenic.

Literature cited by the submitters: PubMed 20716751; PubMed 24503780; PubMed 25227139; PubMed 30398466.